The following is an entry in ClinVar:

NM_025074.7(FRAS1):c.947A>G (p.Gln316Arg)

Gene: FRAS1 (Fraser extracellular matrix complex subunit 1; plus strand). Cytogenetic location: 4q21.21.
Variant type: single nucleotide variant.
Coding change: c.947A>G on transcript NM_025074.7 (MANE Select); coding-DNA position 947, A replaced by G.
Protein change: p.Gln316Arg; replaces glutamine 316 with arginine.
Molecular consequence: missense variant.
Genome position (GRCh38, 1-based): chr4:78,267,398, A>G. VCF-style: chr4-78267398-A-G. GRCh37 (hg19) VCF-style: chr4-79188552-A-G.
Other names: c.947A>G, p.Gln316Arg (NM_001166133.2); short protein forms Q316R.
Identifiers: ClinVar variation 1904506 (VCV001904506.4), dbSNP rs34768036, ClinGen allele CA2976118.

ClinVar aggregate classification (germline): Uncertain significance. Review status: criteria provided, multiple submitters, no conflicts (2 of 4 stars). 3 submissions from 3 submitters: Uncertain significance (3). Last evaluated 2024-05-15.

Conditions:
Inborn genetic diseases. Identifiers: MedGen C0950123, MeSH D030342.
Fraser syndrome 1 (FRASRS1). Also called: CRYPTOPHTHALMOS WITH OTHER MALFORMATIONS. Identifiers: Orphanet 2052, MedGen C4551480, MONDO:0054737, OMIM 219000.

Allele frequency attached by ClinVar (database versions not stated): ExAC 0.00001; gnomAD exomes 0.00001; ESP Exome Variant Server 0.00008; TOPMed 0.00009; gnomAD 0.00010.
gnomAD v4.1: 26 of 1,613,842 alleles (0.0016%); highest among the groups gnomAD compares: African/African-American, 0.032%; no homozygotes.

Submissions (3):

Fulgent Genetics
Classification: Uncertain significance for Fraser syndrome 1. Last evaluated: 2024-05-15. Review status: criteria provided, single submitter. Criteria: ACMG Guidelines, 2015. Collection method: clinical testing. Allele origin: germline.

Labcorp Genetics (formerly Invitae), Labcorp
Classification: Uncertain significance. Last evaluated: 2022-08-07. Review status: criteria provided, single submitter. Criteria: Invitae Variant Classification Sherloc (09022015). Collection method: clinical testing. Allele origin: germline.
Comment: This sequence change replaces glutamine, which is neutral and polar, with arginine, which is basic and polar, at codon 316 of the FRAS1 protein (p.Gln316Arg). This variant is present in population databases (rs34768036, gnomAD 0.03%). This variant has not been reported in the literature in individuals affected with FRAS1-related conditions. Algorithms developed to predict the effect of missense changes on protein structure and function output the following: SIFT: "Tolerated"; PolyPhen-2: "Benign"; Align-GVGD: "Class C0". The arginine amino acid residue is found in multiple mammalian species, which suggests that this missense change does not adversely affect protein function. In summary, the available evidence is currently insufficient to determine the role of this variant in disease. Therefore, it has been classified as a Variant of Uncertain Significance.

Ambry Genetics
Classification: Uncertain significance for Inborn genetic diseases. Last evaluated: 2021-06-21. Review status: criteria provided, single submitter. Criteria: Ambry Variant Classification Scheme 2023. Collection method: clinical testing. Allele origin: germline.